The following is an entry in ClinVar:

ClinVar aggregate classification (germline): Uncertain significance (1 of 4 stars; one submission).

gnomAD v4.1: 6 of 1,613,928 alleles (0.00037%); highest among the groups gnomAD compares: Non-Finnish European, 0.00051%; no homozygotes.

Submission:

Labcorp Genetics (formerly Invitae), Labcorp
Classification: Uncertain significance. Last evaluated: 2022-03-20. Review status: criteria provided, single submitter. Criteria: Invitae Variant Classification Sherloc (09022015). Collection method: clinical testing. Allele origin: germline.
Comment: This variant has not been reported in the literature in individuals affected with OBSL1-related conditions. In summary, the available evidence is currently insufficient to determine the role of this variant in disease. Therefore, it has been classified as a Variant of Uncertain Significance. Algorithms developed to predict the effect of missense changes on protein structure and function are either unavailable or do not agree on the potential impact of this missense change (SIFT: "Tolerated"; PolyPhen-2: "Probably Damaging"; Align-GVGD: "Class C0"). This variant is not present in population databases (gnomAD no frequency). This sequence change replaces proline, which is neutral and non-polar, with arginine, which is basic and polar, at codon 746 of the OBSL1 protein (p.Pro746Arg).

NM_015311.3(OBSL1):c.2237C>G (p.Pro746Arg)

Gene: OBSL1 (obscurin like cytoskeletal adaptor 1; minus strand). Cytogenetic location: 2q35.
Variant type: single nucleotide variant.
Coding change: c.2237C>G on transcript NM_015311.3 (MANE Select); coding-DNA position 2237, C replaced by G.
Protein change: p.Pro746Arg; replaces proline 746 with arginine.
Molecular consequence: missense variant.
Genome position (GRCh38, 1-based): chr2:219,565,412, G>C on the plus strand (C>G on the coding strand, the complement: OBSL1 is on the minus strand). VCF-style: chr2-219565412-G-C. GRCh37 (hg19) VCF-style: chr2-220430134-G-C.
Other names: c.2237C>G, p.Pro746Arg (NM_001173408.2, NM_001173431.2); short protein forms P746R.
Identifiers: ClinVar variation 2115376 (VCV002115376.4), dbSNP rs868812326, ClinGen allele CA350750879.
Genomic context (GRCh38, chr2:219,565,412, plus strand): 5'-ATCTTCACCACCAGCAACTCGCTCTCCTCCACCTTCTGCCCATCCTTGTACCAGGTTGCC[G>C]GGAAGTCCACCCTTGAGAGCTCACAAGTCAGCACCACCCGCTCTGAGGTTGTGAAGGTCA-3'
Protein context (NP_056126.1, residues 736-756): LTCELSRVDF[Pro746Arg]ATWYKDGQKV